The following is an entry in ClinVar:

NM_014991.6(WDFY3):c.941_945del (p.Cys314fs)

Gene: WDFY3 (WD repeat and FYVE domain containing 3; minus strand). Cytogenetic location: 4q21.23.
Variant type: Deletion.
Coding change: c.941_945del on transcript NM_014991.6 (MANE Select); coding-DNA positions 941 to 945, 5 bases deleted (GTGAT; older notation c.941_945delGTGAT).
Protein change: p.Cys314fs; shifts the reading frame from cysteine 314.
Molecular consequence: frameshift variant.
Genome position (GRCh38, 1-based): chr4:84,829,015-84,829,019, ATCAC deleted on the plus strand (GTGAT on the coding strand, the reverse complement: WDFY3 is on the minus strand); deleting any 5 consecutive bases within chr4:84,829,015-84,829,020 gives the same sequence; the c. name uses the placement nearest the transcript's 3' end. VCF-style (leftmost placement, unchanged base first): chr4-84829014-GATCAC-G. GRCh37 (hg19) VCF-style: chr4-85750167-GATCAC-G.
Other names: c.941_945del (NM_014991.4); short protein forms C314fs.
Identifiers: ClinVar variation 3777168 (VCV003777168.1).

ClinVar aggregate classification (germline): Likely pathogenic (1 of 4 stars; one submission).

Conditions:
Microcephaly 18, primary, autosomal dominant (MCPH18). Identifiers: MedGen C4479608, MONDO:0054593, OMIM 617520.

Submission:

University of Washington Department of Laboratory Medicine, University of Washington
Classification: Likely pathogenic for Microcephaly 18, primary, autosomal dominant. Last evaluated: 2022-03-23. Review status: criteria provided, single submitter. Criteria: ACMG Guidelines, 2015. Collection method: clinical testing. Allele origin: unknown. Affected: yes.
Comment: The c.941_945del variant in the WDFY3 gene has not been previously reported in association with disease. This variant was absent from large population databases, including the Genome Aggregation Database. WDFY3 c.941_945del results in a 5 bp deletion in exon 9 of 68 exons total. This change causes a shift in the protein reading frame, leading to a premature termination codon 4 amino acids downstream. This variant is predicted to undergo nonsense-mediated decay, which would result in absent protein expression. These predictions have not been tested directly. Haploinsufficiency is a known mechanism for disease. Using ACMG guidelines, this variant was classified as likely pathogenic for autosomal dominant WDFY3-related neurodevelopmental disorder (ACMG evidence codes used: PVS1, PM2_supporting).